The following is an entry in ClinVar:

ClinVar aggregate classification (germline): Likely benign. Review status: criteria provided, multiple submitters, no conflicts (2 of 4 stars). 2 submissions from 2 submitters: Likely benign (2). Last evaluated 2025-12-01.

Conditions:
Regional enteritis. Also called: Enteritis, Granulomatous. Identifiers: MedGen C0678202, MeSH D003424.
Blau syndrome (BLAUS). Also called: ARTHROCUTANEOUVEAL GRANULOMATOSIS; GRANULOMATOSIS, FAMILIAL JUVENILE SYSTEMIC; GRANULOMATOSIS, FAMILIAL, BLAU TYPE; GRANULOMATOUS INFLAMMATORY ARTHRITIS, DERMATITIS, AND UVEITIS, FAMILIAL; JABS SYNDROME. Identifiers: Orphanet 90340, MedGen C5201146, MONDO:0008523, OMIM 186580.

Allele frequency attached by ClinVar (database versions not stated): gnomAD exomes 0.00002; gnomAD 0.00003; TOPMed 0.00003.
gnomAD v4.1: 31 of 1,613,978 alleles (0.0019%); highest among the groups gnomAD compares: Non-Finnish European, 0.0026%; no homozygotes.

Submissions (2):

Labcorp Genetics (formerly Invitae), Labcorp
Classification: Likely benign for Regional enteritis; Blau syndrome. Last evaluated: 2025-12-01. Review status: criteria provided, single submitter. Criteria: Invitae Variant Classification Sherloc (09022015). Collection method: clinical testing. Allele origin: germline.

CeGaT Center for Human Genetics Tuebingen
Classification: Likely benign. Last evaluated: 2022-07-01. Review status: criteria provided, single submitter. Criteria: CeGaT Center For Human Genetics Tuebingen Variant Classification Criteria Version 2. Collection method: clinical testing. Allele origin: germline. Affected: yes. Observed: 1 variant allele.
Comment: NOD2: BP4, BP7

NM_001370466.1(NOD2):c.2136C>T (p.Phe712=)

Gene: NOD2 (nucleotide binding oligomerization domain containing 2; plus strand). Cytogenetic location: 16q12.1.
Variant type: single nucleotide variant.
Coding change: c.2136C>T on transcript NM_001370466.1 (MANE Select); coding-DNA position 2136, C replaced by T.
Protein change: p.Phe712=; no amino-acid change (phenylalanine 712 retained).
Molecular consequence: synonymous variant. On other transcripts: non-coding transcript variant (1).
Genome position (GRCh38, 1-based): chr16:50,712,128, C>T. VCF-style: chr16-50712128-C-T. GRCh37 (hg19) VCF-style: chr16-50746039-C-T.
Other names: c.2136C>T, p.Phe712= (NM_001293557.2); c.2217C>T, p.Phe739= (NM_022162.3).
Identifiers: ClinVar variation 2646512 (VCV002646512.26), dbSNP rs1055455914, ClinGen allele CA281264087.
Genomic context (GRCh38, chr16:50,712,128, plus strand): 5'-CCACTCCATCCCGCCAGCTGCACCGGGTGAGGCCAAGAGCGTGCATGCCATGCCCGGGTT[C>T]ATCTGGCTCATCCGGAGCCTGTACGAGATGCAGGAGGAGCGGCTGGCTCGGAAGGCTGCA-3'
Protein context (NP_001357395.1, residues 702-722): EAKSVHAMPG[Phe712=]IWLIRSLYEM